The following is an entry in ClinVar:

ClinVar aggregate classification (germline): Conflicting classifications of pathogenicity. Review status: criteria provided, conflicting classifications (1 of 4 stars). 3 submissions from 3 submitters: Uncertain significance (1); Likely benign (2). Last evaluated 2026-01-19.

Allele frequency attached by ClinVar (database versions not stated): gnomAD exomes below 0.00001; TOPMed 0.00001; ExAC 0.00004; gnomAD 0.00006.
gnomAD v4.1: 30 of 1,612,040 alleles (0.0019%); highest among the groups gnomAD compares: Admixed American, 0.013%; no homozygotes.

Submissions (3):

Labcorp Genetics (formerly Invitae), Labcorp
Classification: Likely benign. Last evaluated: 2026-01-19. Review status: criteria provided, single submitter. Criteria: Invitae Variant Classification Sherloc (09022015). Collection method: clinical testing. Allele origin: germline.

Blueprint Genetics
Classification: Likely benign. Last evaluated: 2024-11-08. Review status: criteria provided, single submitter. Criteria: ACMG Guidelines, 2015. Collection method: clinical testing. Allele origin: germline.

Mayo Clinic Laboratories, Mayo Clinic
Classification: Uncertain significance. Last evaluated: 2022-09-29. Review status: criteria provided, single submitter. Criteria: ACMG Guidelines, 2015. Collection method: clinical testing. Allele origin: germline. Observed: 1 variant allele.
Comment: BP4, PM2

NM_017547.4(FOXRED1):c.755G>A (p.Arg252His)

Gene: FOXRED1 (FAD dependent oxidoreductase domain containing 1; plus strand). Cytogenetic location: 11q24.2.
Variant type: single nucleotide variant.
Coding change: c.755G>A on transcript NM_017547.4 (MANE Select); coding-DNA position 755, G replaced by A.
Protein change: p.Arg252His; replaces arginine 252 with histidine.
Molecular consequence: missense variant. On other transcripts: non-coding transcript variant (2).
Genome position (GRCh38, 1-based): chr11:126,275,815, G>A. VCF-style: chr11-126275815-G-A. GRCh37 (hg19) VCF-style: chr11-126145710-G-A.
Other names: p.Arg252His; short protein forms R252H.
Identifiers: ClinVar variation 2096331 (VCV002096331.6), dbSNP rs754235681, ClinGen allele CA6354205.
Genomic context (GRCh38, chr11:126,275,815, plus strand): 5'-AGCACCTCTACGGCCTATTTTTCATTTTCTTCTCTGCAGGTTTTGTCTCTTCATCTCAAC[G>A]CATGTTGACCACAGATGACAAAGCGGTGGTCTTGAAAAGGATCCATGAAGTCCATGTAAG-3'
Protein context (NP_060017.1, residues 242-262): EVTRFVSSSQ[Arg252His]MLTTDDKAVV